The following is an entry in ClinVar:

ClinVar aggregate classification (germline): Uncertain significance (1 of 4 stars; one submission).

Submission:

Labcorp Genetics (formerly Invitae), Labcorp
Classification: Uncertain significance. Last evaluated: 2023-04-13. Review status: criteria provided, single submitter. Criteria: Invitae Variant Classification Sherloc (09022015). Collection method: clinical testing. Allele origin: germline.
Comment: This variant has not been reported in the literature in individuals affected with GREB1L-related conditions. In summary, the available evidence is currently insufficient to determine the role of this variant in disease. Therefore, it has been classified as a Variant of Uncertain Significance. An algorithm developed to predict the effect of missense changes on protein structure and function (PolyPhen-2) suggests that this variant is likely to be disruptive. This variant is not present in population databases (gnomAD no frequency). This sequence change replaces leucine, which is neutral and non-polar, with tryptophan, which is neutral and slightly polar, at codon 1648 of the GREB1L protein (p.Leu1648Trp).

NM_001142966.3(GREB1L):c.4943T>G (p.Leu1648Trp)

Gene: GREB1L (GREB1 like retinoic acid receptor coactivator; plus strand). Cytogenetic location: 18q11.2.
Variant type: single nucleotide variant.
Coding change: c.4943T>G on transcript NM_001142966.3 (MANE Select); coding-DNA position 4943, T replaced by G.
Protein change: p.Leu1648Trp; replaces leucine 1648 with tryptophan.
Molecular consequence: missense variant.
Genome position (GRCh38, 1-based): chr18:21,515,458, T>G. VCF-style: chr18-21515458-T-G. GRCh37 (hg19) VCF-style: chr18-19095419-T-G.
Other names: c.5072T>G, p.Leu1691Trp (NM_001410867.1); c.4616T>G, p.Leu1539Trp (NM_001410868.1); short protein forms L1648W, L1691W, L1539W.
Identifiers: ClinVar variation 2855964 (VCV002855964.3), dbSNP rs2512005561, ClinGen allele CA401733974.